The following is an entry in ClinVar:

ClinVar aggregate classification (germline): Uncertain significance (1 of 4 stars; one submission).

Conditions:
Hereditary cancer-predisposing syndrome. Also called: Tumor predisposition; Hereditary Cancer Syndrome; Neoplastic Syndromes, Hereditary; Hereditary neoplastic syndrome. Identifiers: Orphanet 140162, MedGen C0027672, MeSH D009386, MONDO:0015356.

Submission:

Ambry Genetics
Classification: Uncertain significance for Hereditary cancer-predisposing syndrome. Last evaluated: 2019-04-05. Review status: criteria provided, single submitter. Criteria: Ambry Variant Classification Scheme 2023. Collection method: clinical testing. Allele origin: germline.
Comment: The c.968delTinsAAG variant, located in coding exon 10 of the RAD51D gene, results from the deletion of one nucleotide and insertion of 3 nucleotides causing a translational frameshift with a predicted alternate stop codon (p.L323*). Premature stop codons are typically deleterious in nature, however, this stop codon occurs at the 3' terminus of RAD51D, is not expected to trigger nonsense-mediated mRNA decay, and removes only the last 6 amino acids of the protein. The exact functional impact of these removed amino acids is unknown at this time. Since supporting evidence is limited at this time, the clinical significance of this alteration remains unclear.

NM_002878.4(RAD51D):c.968delinsAAG (p.Leu323Ter)

Genes: RAD51L3-RFFL (RAD51L3-RFFL readthrough; minus strand), RAD51D (RAD51 paralog D; minus strand). Cytogenetic location: 17q12.
Variant type: Indel.
Coding change: c.968delinsAAG on transcript NM_002878.4 (MANE Select); coding-DNA position 968, T replaced by AAG.
Protein change: p.Leu323Ter; replaces leucine 323 with a stop codon.
Molecular consequence: nonsense. On other transcripts: non-coding transcript variant (2).
Genome position (GRCh38, 1-based): chr17:35,100,972, A replaced by CTT on the plus strand (T replaced by AAG on the coding strand, the reverse complement: RAD51D is on the minus strand). VCF-style: chr17-35100972-A-CTT. GRCh37 (hg19) VCF-style: chr17-33427991-A-CTT.
Other names: c.1028delinsAAG, p.Leu343Ter (NM_001142571.2); c.632delinsAAG, p.Leu211Ter (NM_133629.3); c.968delTinsAAG (NM_002878.3); short protein forms L211*, L323*, L343*.
Identifiers: ClinVar variation 823400 (VCV000823400.4), dbSNP rs1597855329, ClinGen allele CA915949971.